The following is an entry in ClinVar:

ClinVar aggregate classification (germline): Uncertain significance (1 of 4 stars; one submission).

gnomAD v4.1: 4 of 1,612,298 alleles (0.00025%); highest among the groups gnomAD compares: African/African-American, 0.0013%; no homozygotes.

Submission:

Labcorp Genetics (formerly Invitae), Labcorp
Classification: Uncertain significance. Last evaluated: 2025-10-17. Review status: criteria provided, single submitter. Criteria: Invitae Variant Classification Sherloc (09022015). Collection method: clinical testing. Allele origin: germline.
Comment: This sequence change replaces aspartic acid, which is acidic and polar, with glycine, which is neutral and non-polar, at codon 168 of the SLC25A32 protein (p.Asp168Gly). This variant is not present in population databases (gnomAD no frequency). This variant has not been reported in the literature in individuals affected with SLC25A32-related conditions. Invitae Evidence Modeling of protein sequence and biophysical properties (such as structural, functional, and spatial information, amino acid conservation, physicochemical variation, residue mobility, and thermodynamic stability) indicates that this missense variant is not expected to disrupt SLC25A32 protein function with a negative predictive value of 80%. In summary, the available evidence is currently insufficient to determine the role of this variant in disease. Therefore, it has been classified as a Variant of Uncertain Significance.

NM_030780.5(SLC25A32):c.503A>G (p.Asp168Gly)

Gene: SLC25A32 (solute carrier family 25 member 32; minus strand). Cytogenetic location: 8q22.3.
Variant type: single nucleotide variant.
Coding change: c.503A>G on transcript NM_030780.5 (MANE Select); coding-DNA position 503, A replaced by G.
Protein change: p.Asp168Gly; replaces aspartic acid 168 with glycine.
Molecular consequence: missense variant. On other transcripts: non-coding transcript variant (2).
Genome position (GRCh38, 1-based): chr8:103,403,213, T>C on the plus strand (A>G on the coding strand, the complement: SLC25A32 is on the minus strand). VCF-style: chr8-103403213-T-C. GRCh37 (hg19) VCF-style: chr8-104415441-T-C.
Other names: short protein forms D168G.
Identifiers: ClinVar variation 4695280 (VCV004695280.1).